The following is an entry in ClinVar:

NM_001018115.3(FANCD2):c.2219G>T (p.Cys740Phe)

Genes: FANCD2 (FA complementation group D2; plus strand), LOC107303338 (3p25 FANCD2 Alu-mediated recombination region; plus strand). Cytogenetic location: 3p25.3.
Variant type: single nucleotide variant.
Coding change: c.2219G>T on transcript NM_001018115.3 (MANE Select); coding-DNA position 2219, G replaced by T.
Protein change: p.Cys740Phe; replaces cysteine 740 with phenylalanine.
Molecular consequence: missense variant.
Genome position (GRCh38, 1-based): chr3:10,065,444, G>T. VCF-style: chr3-10065444-G-T. GRCh37 (hg19) VCF-style: chr3-10107128-G-T.
Other names: c.2219G>T, p.Cys740Phe (NM_001319984.2, NM_001374254.1, NM_033084.6); c.2108G>T, p.Cys703Phe (NM_001374253.1); short protein forms C703F, C740F.
Identifiers: ClinVar variation 2891172 (VCV002891172.3), dbSNP rs2087692202, ClinGen allele CA351734677.

ClinVar aggregate classification (germline): Uncertain significance (1 of 4 stars; one submission).

Conditions:
Fanconi anemia (FA). Also called: Fanconi's anemia. Identifiers: Orphanet 84, MedGen C0015625, MeSH D005199, MONDO:0019391.

Submission:

Labcorp Genetics (formerly Invitae), Labcorp
Classification: Uncertain significance for Fanconi anemia. Last evaluated: 2023-04-11. Review status: criteria provided, single submitter. Criteria: Invitae Variant Classification Sherloc (09022015). Collection method: clinical testing. Allele origin: germline.
Comment: In summary, the available evidence is currently insufficient to determine the role of this variant in disease. Therefore, it has been classified as a Variant of Uncertain Significance. Advanced modeling of protein sequence and biophysical properties (such as structural, functional, and spatial information, amino acid conservation, physicochemical variation, residue mobility, and thermodynamic stability) has been performed at Invitae for this missense variant, however the output from this modeling did not meet the statistical confidence thresholds required to predict the impact of this variant on FANCD2 protein function. This variant has not been reported in the literature in individuals affected with FANCD2-related conditions. This variant is not present in population databases (gnomAD no frequency). This sequence change replaces cysteine, which is neutral and slightly polar, with phenylalanine, which is neutral and non-polar, at codon 740 of the FANCD2 protein (p.Cys740Phe).